The following is an entry in ClinVar:

ClinVar aggregate classification (germline): Pathogenic (1 of 4 stars; one submission).

Conditions:
Anemia, nonspherocytic hemolytic, due to G6PD deficiency (CNSHA1). Also called: Hemolytic anemia due to G6PD deficiency; Class I glucose-6-phosphate dehydrogenase deficiency; Favism, susceptibility to; ANEMIA, CONGENITAL, NONSPHEROCYTIC HEMOLYTIC, 1. Identifiers: Orphanet 466026, MedGen C2720289, MONDO:0010480, OMIM 300908.

Submission:

Dunham Lab, University of Washington
Classification: Pathogenic for Anemia, nonspherocytic hemolytic, due to G6PD deficiency. Last evaluated: 2022-08-12. Review status: criteria provided, single submitter. Criteria: Bayesian ACMG Guidelines, 2018. Collection method: curation. Allele origin: unknown. Affected: yes.
Comment: Variant found in unrelated hemizygotes with deficiency and CNSHA (PS4_M, PP4). Decreased activity in red blood cells (0-3%) (PS3). Within dimer interface (PM1). Not found in gnomAD (PM2). Post_P 0.997 (odds of pathogenicity 3158, Prior_P 0.1).

Literature cited by the submitters: PubMed 2912886; PubMed 9674740; PubMed 7577654; PubMed 31294066.

NM_001360016.2(G6PD):c.1215G>A (p.Met405Ile)

Gene: G6PD (glucose-6-phosphate dehydrogenase; minus strand). Cytogenetic location: Xq28.
Variant type: single nucleotide variant.
Coding change: c.1215G>A on transcript NM_001360016.2 (MANE Select); coding-DNA position 1215, G replaced by A.
Protein change: p.Met405Ile; replaces methionine 405 with isoleucine.
Molecular consequence: missense variant.
Genome position (GRCh38, 1-based): chrX:154,532,639, C>T on the plus strand (G>A on the coding strand, the complement: G6PD is on the minus strand). VCF-style: chrX-154532639-C-T. GRCh37 (hg19) VCF-style: chrX-153760854-C-T.
Other names: G6PD Clinic; c.1305G>A, p.Met435Ile (NM_000402.4); c.1215G>A, p.Met405Ile (NM_001042351.3); short protein forms M405I, M435I.
Identifiers: ClinVar variation 1722676 (VCV001722676.2), dbSNP rs2523262563, ClinGen allele CA415233968.